The following is an entry in ClinVar:

ClinVar aggregate classification (germline): Uncertain significance (1 of 4 stars; one submission).

Conditions:
Primary immunodeficiency with post-measles-mumps-rubella vaccine viral infection. Also called: Immunodeficiency 44. Identifiers: Orphanet 431166, MedGen C4225260, MONDO:0014715, OMIM 616636.

Allele frequency attached by ClinVar (database versions not stated): gnomAD exomes 0.00001; ExAC 0.00005.
gnomAD v4.1: 17 of 1,613,374 alleles (0.0011%); highest among the groups gnomAD compares: South Asian, 0.019%; 1 homozygote.

Submission:

Labcorp Genetics (formerly Invitae), Labcorp
Classification: Uncertain significance for Primary immunodeficiency with post-measles-mumps-rubella vaccine viral infection. Last evaluated: 2022-06-17. Review status: criteria provided, single submitter. Criteria: Invitae Variant Classification Sherloc (09022015). Collection method: clinical testing. Allele origin: germline.
Comment: Advanced modeling of protein sequence and biophysical properties (such as structural, functional, and spatial information, amino acid conservation, physicochemical variation, residue mobility, and thermodynamic stability) performed at Invitae indicates that this missense variant is not expected to disrupt STAT2 protein function. In summary, the available evidence is currently insufficient to determine the role of this variant in disease. Therefore, it has been classified as a Variant of Uncertain Significance. This variant has not been reported in the literature in individuals affected with STAT2-related conditions. This variant is present in population databases (rs747572198, gnomAD 0.02%). This sequence change replaces aspartic acid, which is acidic and polar, with alanine, which is neutral and non-polar, at codon 736 of the STAT2 protein (p.Asp736Ala).

NM_005419.4(STAT2):c.2207A>C (p.Asp736Ala)

Gene: STAT2 (signal transducer and activator of transcription 2; minus strand). Cytogenetic location: 12q13.3.
Variant type: single nucleotide variant.
Coding change: c.2207A>C on transcript NM_005419.4 (MANE Select); coding-DNA position 2207, A replaced by C.
Protein change: p.Asp736Ala; replaces aspartic acid 736 with alanine.
Molecular consequence: missense variant.
Genome position (GRCh38, 1-based): chr12:56,344,031, T>G on the plus strand (A>C on the coding strand, the complement: STAT2 is on the minus strand). VCF-style: chr12-56344031-T-G. GRCh37 (hg19) VCF-style: chr12-56737815-T-G.
Other names: c.2174A>C, p.Asp725Ala (NM_001385110.1); c.2108A>C, p.Asp703Ala (NM_001385111.1); c.2207A>C, p.Asp736Ala (NM_001385113.1); c.2186A>C, p.Asp729Ala (NM_001385114.1); c.2165A>C, p.Asp722Ala (NM_001385115.1); c.2195A>C, p.Asp732Ala (NM_198332.2); short protein forms D703A, D722A, D729A, D736A, D725A, D732A.
Identifiers: ClinVar variation 1968673 (VCV001968673.5), dbSNP rs747572198, ClinGen allele CA6630286.